The following is an entry in ClinVar:

ClinVar aggregate classification (germline): Uncertain significance (1 of 4 stars; one submission).

Submission:

Labcorp Genetics (formerly Invitae), Labcorp
Classification: Uncertain significance. Last evaluated: 2021-07-30. Review status: criteria provided, single submitter. Criteria: Invitae Variant Classification Sherloc (09022015). Collection method: clinical testing. Allele origin: germline.
Comment: In summary, the available evidence is currently insufficient to determine the role of this variant in disease. Therefore, it has been classified as a Variant of Uncertain Significance. Algorithms developed to predict the effect of missense changes on protein structure and function are either unavailable or do not agree on the potential impact of this missense change (SIFT: "Tolerated"; PolyPhen-2: "Probably Damaging"; Align-GVGD: "Class C0"). This variant has not been reported in the literature in individuals affected with PALM-related conditions. This variant is not present in population databases (ExAC no frequency). This sequence change replaces arginine with threonine at codon 186 of the PALM protein (p.Arg186Thr). The arginine residue is moderately conserved and there is a moderate physicochemical difference between arginine and threonine.

NM_002579.3(PALM):c.557G>C (p.Arg186Thr)

Gene: PALM (paralemmin; plus strand). Cytogenetic location: 19p13.3.
Variant type: single nucleotide variant.
Coding change: c.557G>C on transcript NM_002579.3 (MANE Select); coding-DNA position 557, G replaced by C.
Protein change: p.Arg186Thr; replaces arginine 186 with threonine.
Molecular consequence: missense variant. On other transcripts: intron variant (1).
Genome position (GRCh38, 1-based): chr19:740,406, G>C. VCF-style: chr19-740406-G-C. GRCh37 (hg19) VCF-style: chr19-740406-G-C.
Other names: c.502+4328G>C (NM_001040134.2); short protein forms R186T.
Identifiers: ClinVar variation 1489293 (VCV001489293.6), dbSNP rs2033153957, ClinGen allele CA402886840.